The following is an entry in ClinVar:

ClinVar aggregate classification (germline): Pathogenic. Review status: reviewed by expert panel (3 of 4 stars). 4 submissions from 4 submitters: Pathogenic (1). 3 of the submissions do not count toward it. Last evaluated 2024-03-25.

Conditions:
Hereditary cancer-predisposing syndrome. Also called: Hereditary Cancer Syndrome; Neoplastic Syndromes, Hereditary; Tumor predisposition; Hereditary neoplastic syndrome. Identifiers: Orphanet 140162, MedGen C0027672, MeSH D009386, MONDO:0015356.
CDH1-related diffuse gastric and lobular breast cancer syndrome. Also called: CDH1-related diffuse gastric and lobular breast cancer. Identifiers: MedGen CN311521, MONDO:0100488.
Hereditary diffuse gastric adenocarcinoma (HDGC). Also called: DIFFUSE GASTRIC AND LOBULAR BREAST CANCER SYNDROME. Identifiers: Orphanet 26106, MedGen C1708349, MONDO:0007648, OMIM 137215.

Submissions (5):

Clingen Gastric Cancer Variant Curation Expert Panel
Classification: Pathogenic for CDH1-related diffuse gastric and lobular breast cancer syndrome. Last evaluated: 2024-03-25. Review status: reviewed by expert panel. Criteria: ClinGen CDH1 ACMG Specifications V3.1. Collection method: curation. Allele origin: germline. Inheritance: Autosomal dominant inheritance.
Comment: The c.1008G>A (NM_004360.5) variant in CDH1is a G to non-G variant in the last nucleotide in exon 7. It is predicted to cause a loss of the donor splice site resulting in retention of intron 7 (PVS1_Moderate). This prediction is confirmed by RT-PCR cDNA demonstrating that the variant impacts splicing by producing 4 different alternatively spliced transcripts containing premature termination codons (PTC) caused by the use of cryptic donor splice sites in the intron (PS3, PMID: 8127895). This variant has been reported in 4 probands/families meeting hereditary diffuse gastric cancer genetic testing criteria (PS4; PMIDs 9536098, 27730413, ClinVar SCVs: SCV000275557.6, SCV000760854.3, Internal lab contributors). This variant is absent in the gnomAD cohort (PM2_Supporting). The results from 3 in silico splicing predictors (SpliceAI, MaxEntScan, NNsplice) indicate that this variant may affect splicing by disrupting the donor splice site of intron 7 of CDH1 (PP3). In summary, this variant meets criteria to be classified as pathogenic based on the ACMG/AMP criteria applied as specified by the CDH1 Variant Curation Expert Panel (Variant Interpretation Guidelines Version 3.1): PVS1_Moderate, PM2_Supporting, PS3, PS4, PP3.

Myriad Genetics, Inc.
Classification: Pathogenic for Hereditary diffuse gastric adenocarcinoma. Last evaluated: 2025-03-14. Review status: criteria provided, single submitter. Criteria: Myriad Autosomal Dominant, Autosomal Recessive and X-Linked Classification Criteria (2023). Collection method: clinical testing. Allele origin: unknown. Not counted in ClinVar's aggregate classification.
Comment: This variant is considered pathogenic. mRNA analysis has demonstrated abnormal mRNA splicing occurs [PMID: 9537325, Myriad internal data]. This variant has been reported in multiple individuals with clinical features of gene-specific disease [PMID: 27730413, 9537325, Myriad internal data].

Ambry Genetics
Classification: Pathogenic for Hereditary cancer-predisposing syndrome. Last evaluated: 2022-03-18. Review status: criteria provided, single submitter. Criteria: Ambry Variant Classification Scheme 2023. Collection method: clinical testing. Allele origin: germline. Not counted in ClinVar's aggregate classification.
Comment: The c.1008G>A pathogenic mutation (also known as p.E336E), located in coding exon 7 of the CDH1 gene, results from a G to A substitution at nucleotide position 1008. This nucleotide substitution does not change the amino acid at codon 336. However, this change occurs in the last base pair of coding exon 7, which makes it likely to have some effect on normal mRNA splicing. It was also observed in a gastric cancer cell line originating from a patient with diffuse gastric cancer (Oda T et al. Proc. Natl. Acad. Sci. U.S.A. 1994 Mar; 91(5):1858-62). RNA analysis of this cell line showed that c.1008G>A abolishes the native donor splice site resulting in three out-of-frame transcripts (Karam R et al. Oncogene 2008 Jul; 27(30):4255-60). Internal RNA splicing analyses of c.1008G>T were consistent with those performed by Karam et al. and showed three out-of-frame transcripts: a 7 base pair insertion, a 25 base pair insertion, and an insertion of intron 7 (Ambry internal data). Additionally, a variant affecting the same nucleotide, c.1008G>T, segregated in a family affected with hereditary diffuse gastric cancer (Guilford P et al. Nature 1998 Mar; 392(6674):402-5). This nucleotide position is highly conserved in available vertebrate species. In silico splice site analysis predicts that this alteration will weaken the native splice donor site and may result in the creation or strengthening of a novel splice donor site. Based on the supporting evidence, this alteration is interpreted as a disease-causing mutation.

Labcorp Genetics (formerly Invitae), Labcorp
Classification: Likely pathogenic for Hereditary diffuse gastric adenocarcinoma. Last evaluated: 2021-04-13. Review status: criteria provided, single submitter. Criteria: Invitae Variant Classification Sherloc (09022015). Collection method: clinical testing. Allele origin: germline. Not counted in ClinVar's aggregate classification.
Comment: In summary, the currently available evidence indicates that the variant is pathogenic, but additional data are needed to prove that conclusively. Therefore, this variant has been classified as Likely Pathogenic. Nucleotide substitutions within the consensus splice site are a relatively common cause of aberrant splicing (PMID: 17576681, 9536098). Studies have shown that this variant is associated with altered splicing, which introduces a premature termination codon (PMID: 8127895, 18427545). The resulting mRNA is expected to undergo nonsense-mediated decay. Studies have shown that this variant alters CDH1 gene expression (PMID: 8127895). This variant has been reported in an observed in individual(s) with diffuse gastric cancer (PMID: 27730413). ClinVar contains an entry for this variant (Variation ID: 231647). This variant is not present in population databases (ExAC no frequency). This sequence change affects codon 336 of the CDH1 mRNA. It is a 'silent' change, meaning that it does not change the encoded amino acid sequence of the CDH1 protein. RNA analysis indicates that this variant induces altered splicing and may result in an absent or disrupted protein product.

Dr. Peter K. Rogan Lab, Western University
No classification provided (evidence only). Condition: Familial cancer of breast. Review status: no classification provided. Collection method: in vitro. Allele origin: not applicable. Functional consequence: retained intron. Not counted in ClinVar's aggregate classification.

Literature cited by the submitters: PubMed 9537325 (cited by Myriad Genetics, Inc. and Ambry Genetics); PubMed 27730413 (cited by Myriad Genetics, Inc. and Labcorp Genetics (formerly Invitae), Labcorp); PubMed 18427545 (cited by Ambry Genetics and Labcorp Genetics (formerly Invitae), Labcorp); PubMed 8127895 (cited by Ambry Genetics and Labcorp Genetics (formerly Invitae), Labcorp); PubMed 9744472 (cited by Ambry Genetics); PubMed 17576681 (cited by Labcorp Genetics (formerly Invitae), Labcorp); PubMed 9536098 (cited by Labcorp Genetics (formerly Invitae), Labcorp).

NM_004360.5(CDH1):c.1008G>A (p.Glu336=)

Gene: CDH1 (cadherin 1; plus strand). Cytogenetic location: 16q22.1.
Variant type: single nucleotide variant.
Coding change: c.1008G>A on transcript NM_004360.5 (MANE Select); coding-DNA position 1008, G replaced by A.
Protein change: p.Glu336=; no amino-acid change (glutamic acid 336 retained).
Molecular consequence: synonymous variant. On other transcripts: 5 prime UTR variant (2).
Genome position (GRCh38, 1-based): chr16:68,811,859, G>A. VCF-style: chr16-68811859-G-A. GRCh37 (hg19) VCF-style: chr16-68845762-G-A.
Other names: NM_004360.4(CDH1):c.1008G>A; NM_004360.5(CDH1):c.1008G>A; c.1008G>A, p.Glu336= (NM_001317184.2); c.-608G>A (NM_001317185.2); c.-812G>A (NM_001317186.2); c.1008G>A (LRG_301t1).
Identifiers: ClinVar variation 231647 (VCV000231647.22), dbSNP rs267606712, ClinGen allele CA10580100.